The following is an entry in ClinVar:

NM_020207.7(ERCC6L2):c.235C>G (p.Pro79Ala)

Gene: ERCC6L2 (ERCC excision repair 6 like 2; plus strand). Cytogenetic location: 9q22.32.
Variant type: single nucleotide variant.
Coding change: c.235C>G on transcript NM_020207.7 (MANE Select); coding-DNA position 235, C replaced by G.
Protein change: p.Pro79Ala; replaces proline 79 with alanine.
Molecular consequence: missense variant. On other transcripts: non-coding transcript variant (1).
Genome position (GRCh38, 1-based): chr9:95,881,057, C>G. VCF-style: chr9-95881057-C-G. GRCh37 (hg19) VCF-style: chr9-98643339-C-G.
Other names: c.235C>G, p.Pro79Ala (NM_001010895.4, NM_001375291.1, NM_001375292.1 and 2 more transcripts); short protein forms P79A.
Identifiers: ClinVar variation 3510010 (VCV003510010.1).
Genomic context (GRCh38, chr9:95,881,057, plus strand): 5'-TTTCAAGAAAGGAAAATACCTCTTAAACAGCTTCAAGAAGTGAAATTTGTTAAAGATTGC[C>G]CTAGGAATCTTATATTTGATGATGAAGATTTAGAAAAACCTTATTTCCCAAACCGAAAAT-3'
Protein context (NP_064592.3, residues 69-89): LQEVKFVKDC[Pro79Ala]RNLIFDDEDL

ClinVar aggregate classification (germline): Uncertain significance (1 of 4 stars; one submission).

Conditions:
Inborn genetic diseases. Identifiers: MedGen C0950123, MeSH D030342.

gnomAD v4.1: 6 of 1,613,384 alleles (0.00037%); highest among the groups gnomAD compares: East Asian, 0.013%; no homozygotes.

Submission:

Ambry Genetics
Classification: Uncertain significance for Inborn genetic diseases. Last evaluated: 2024-12-02. Review status: criteria provided, single submitter. Criteria: Ambry Variant Classification Scheme 2023. Collection method: clinical testing. Allele origin: germline.
Comment: The p.P79A variant (also known as c.235C>G), located in coding exon 2 of the ERCC6L2 gene, results from a C to G substitution at nucleotide position 235. The proline at codon 79 is replaced by alanine, an amino acid with highly similar properties. This amino acid position is conserved. In addition, this alteration is predicted to be tolerated by in silico analysis. Based on the available evidence, the clinical significance of this variant remains unclear.